The following is an entry in ClinVar:

NM_001080414.4(CCDC88C):c.341-2A>G

Gene: CCDC88C (coiled-coil domain containing 88C; minus strand). Cytogenetic location: 14q32.11.
Variant type: single nucleotide variant.
Coding change: c.341-2A>G on transcript NM_001080414.4 (MANE Select); the canonical splice acceptor site of the intron before coding-DNA position 341, A replaced by G.
Molecular consequence: splice acceptor variant.
Genome position (GRCh38, 1-based): chr14:91,343,659, T>C on the plus strand (A>G on the coding strand, the complement: CCDC88C is on the minus strand). VCF-style: chr14-91343659-T-C. GRCh37 (hg19) VCF-style: chr14-91810003-T-C.
Identifiers: ClinVar variation 3375368 (VCV003375368.1).

ClinVar aggregate classification (germline): Likely pathogenic (1 of 4 stars; one submission).

Conditions:
CCDC88C-related disorder. Also called: CCDC88C-Related Disorders; CCDC88C-related condition.

gnomAD v4.1: 1 of 1,613,482 alleles (0.000062%); highest among the groups gnomAD compares: Non-Finnish European, 0.000085%; no homozygotes.

Submission:

Women's Health and Genetics/Laboratory Corporation of America, LabCorp
Classification: Likely pathogenic for CCDC88C-Related Disorders. Last evaluated: 2024-09-19. Review status: criteria provided, single submitter. Criteria: LabCorp Variant Classification Summary - May 2015. Collection method: clinical testing. Allele origin: germline.
Comment: Variant summary: CCDC88C c.341-2A>G is located in a canonical splice-site and is predicted to affect mRNA splicing resulting in a significantly altered protein due to either exon skipping, shortening, or inclusion of intronic material. Variants that disrupt the consensus splice site are a relatively common cause of aberrant splicing and loss of CCDC88C function. Several computational tools predict a significant impact on normal splicing: Four predict the variant abolishes a 3' acceptor site. However, these predictions have yet to be confirmed by functional studies. The variant was absent in 248898 control chromosomes. To our knowledge, no occurrence of c.341-2A>G in individuals affected with CCDC88C-Related Disorders and no experimental evidence demonstrating its impact on protein function have been reported. No submitters have cited clinical-significance assessments for this variant to ClinVar. Based on the evidence outlined above, the variant was classified as likely pathogenic.